The following is an entry in ClinVar:

NM_020987.5(ANK3):c.9601C>T (p.Pro3201Ser)

Gene: ANK3 (ankyrin 3; minus strand). Cytogenetic location: 10q21.2.
Variant type: single nucleotide variant.
Coding change: c.9601C>T on transcript NM_020987.5 (MANE Select); coding-DNA position 9601, C replaced by T.
Protein change: p.Pro3201Ser; replaces proline 3201 with serine.
Molecular consequence: missense variant. On other transcripts: intron variant (4).
Genome position (GRCh38, 1-based): chr10:60,071,280, G>A on the plus strand (C>T on the coding strand, the complement: ANK3 is on the minus strand). VCF-style: chr10-60071280-G-A. GRCh37 (hg19) VCF-style: chr10-61831038-G-A.
Other names: c.4388-3271C>T (NM_001204403.2); c.4409-3271C>T (NM_001204404.2); c.4406-3271C>T (NM_001320874.2); c.1808-3271C>T (NM_001149.4); short protein forms P3201S.
Identifiers: ClinVar variation 4696798 (VCV004696798.1).
Genomic context (GRCh38, chr10:60,071,280, plus strand): 5'-TCTGCTTAAGGGAGGTTGACTTGGCCTGTTCCTCCTCCTCTGACTCCTCAGAAACCTCGG[G>A]AATTGGGCTGGGTTTGCCTGGTATATAAGCTATGAGCGAGTCAGGTGTCTTAGATGTAAA-3'
Protein context (NP_066267.2, residues 3191-3211): AYIPGKPSPI[Pro3201Ser]EVSEESEEEE

ClinVar aggregate classification (germline): Uncertain significance (1 of 4 stars; one submission).

gnomAD v4.1: 13 of 1,613,994 alleles (0.00081%); highest among the groups gnomAD compares: East Asian, 0.02%; 1 homozygote.

Submission:

Labcorp Genetics (formerly Invitae), Labcorp
Classification: Uncertain significance. Last evaluated: 2025-03-01. Review status: criteria provided, single submitter. Criteria: Invitae Variant Classification Sherloc (09022015). Collection method: clinical testing. Allele origin: germline.
Comment: This sequence change replaces proline, which is neutral and non-polar, with serine, which is neutral and polar, at codon 3201 of the ANK3 protein (p.Pro3201Ser). This variant is present in population databases (rs750699498, gnomAD 0.003%). This variant has not been reported in the literature in individuals affected with ANK3-related conditions. Invitae Evidence Modeling of protein sequence and biophysical properties (such as structural, functional, and spatial information, amino acid conservation, physicochemical variation, residue mobility, and thermodynamic stability) indicates that this missense variant is not expected to disrupt ANK3 protein function with a negative predictive value of 80%. In summary, the available evidence is currently insufficient to determine the role of this variant in disease. Therefore, it has been classified as a Variant of Uncertain Significance.